The following is an entry in ClinVar:

ClinVar aggregate classification (germline): Uncertain significance. Review status: criteria provided, multiple submitters, no conflicts (2 of 4 stars). 2 submissions from 2 submitters: Uncertain significance (2). Last evaluated 2023-06-01.

Conditions:
Colorectal cancer, hereditary nonpolyposis, type 7. Identifiers: Orphanet 144, MedGen C1858380, MONDO:0013725, OMIM 614385.

Allele frequency attached by ClinVar (database versions not stated): gnomAD exomes 0.00001 and below 0.00001; gnomAD 0.00002 and 0.00001; ExAC 0.00001; TOPMed 0.00002.
gnomAD v4.1: 6 of 1,614,030 alleles (0.00037%); highest among the groups gnomAD compares: Non-Finnish European, 0.00042%; no homozygotes.

Submissions (2):

Ambry Genetics
Classification: Uncertain significance. Last evaluated: 2023-06-01. Review status: criteria provided, single submitter. Criteria: Ambry Variant Classification Scheme 2023. Collection method: clinical testing. Allele origin: germline.
Comment: The p.D815H variant (also known as c.2443G>C), located in coding exon 1 of the MLH3 gene, results from a G to C substitution at nucleotide position 2443. The aspartic acid at codon 815 is replaced by histidine, an amino acid with similar properties. This amino acid position is conserved. In addition, this alteration is predicted to be tolerated by in silico analysis. Since supporting evidence is limited at this time, the clinical significance of this alteration remains unclear.

Labcorp Genetics (formerly Invitae), Labcorp
Classification: Uncertain significance for Colorectal cancer, hereditary nonpolyposis, type 7. Last evaluated: 2017-05-17. Review status: criteria provided, single submitter. Criteria: Invitae Variant Classification Sherloc (09022015). Collection method: clinical testing. Allele origin: germline.
Comment: In summary, this variant is a rare missense change that is not predicted to affect protein function. There is no indication that it causes disease, but the available evidence is currently insufficient to prove that conclusively. Therefore, it has been classified as a Variant of Uncertain Significance. This sequence change replaces aspartic acid with histidine at codon 815 of the MLH3 protein (p.Asp815His). The aspartic acid residue is weakly conserved and there is a moderate physicochemical difference between aspartic acid and histidine. This variant is present in population databases (rs776060737, ExAC 0.02%) but has not been reported in the literature in individuals with an MLH3-related disease. Algorithms developed to predict the effect of missense changes on protein structure and function (SIFT, PolyPhen-2, Align-GVGD) all suggest that this variant is likely to be tolerated, but these predictions have not been confirmed by published functional studies.

NM_001040108.2(MLH3):c.2443G>C (p.Asp815His)

Gene: MLH3 (mutL homolog 3; minus strand). Cytogenetic location: 14q24.3.
Variant type: single nucleotide variant.
Coding change: c.2443G>C on transcript NM_001040108.2 (MANE Select); coding-DNA position 2443, G replaced by C.
Protein change: p.Asp815His; replaces aspartic acid 815 with histidine.
Molecular consequence: missense variant.
Genome position (GRCh38, 1-based): chr14:75,047,213, C>G on the plus strand (G>C on the coding strand, the complement: MLH3 is on the minus strand). VCF-style: chr14-75047213-C-G. GRCh37 (hg19) VCF-style: chr14-75513916-C-G.
Other names: c.2443G>C, p.Asp815His (NM_014381.3); short protein forms D815H.
Identifiers: ClinVar variation 478026 (VCV000478026.10), dbSNP rs776060737, ClinGen allele CA7275705.
Genomic context (GRCh38, chr14:75,047,213, plus strand): 5'-CCTTGGAGAATGGAAACTTCTCTGAGTTAAGGATGTGGCTTGCTGGTTGACAACTACTAT[C>G]TGAATCACTATGCTCCATAGTAGTGATTTTACAAACATCAGAGTTCTCTAAGCGGTTCTT-3'
Protein context (NP_001035197.1, residues 805-825): KITTMEHSDS[Asp815His]SSCQPASHIL